The following is an entry in ClinVar:

NM_006662.3(SRCAP):c.4002G>A (p.Pro1334=)

Gene: SRCAP (Snf2 related CREBBP activator protein; plus strand). Cytogenetic location: 16p11.2.
Variant type: single nucleotide variant.
Coding change: c.4002G>A on transcript NM_006662.3 (MANE Select); coding-DNA position 4002, G replaced by A.
Protein change: p.Pro1334=; no amino-acid change (proline 1334 retained).
Molecular consequence: synonymous variant.
Genome position (GRCh38, 1-based): chr16:30,723,072, G>A. VCF-style: chr16-30723072-G-A. GRCh37 (hg19) VCF-style: chr16-30734393-G-A.
Identifiers: ClinVar variation 722270 (VCV000722270.14), dbSNP rs141507568, ClinGen allele CA8011642.

ClinVar aggregate classification (germline): Likely benign. Review status: criteria provided, multiple submitters, no conflicts (2 of 4 stars). 2 submissions from 2 submitters: Likely benign (2). Last evaluated 2026-09-01.

Allele frequency attached by ClinVar (database versions not stated): gnomAD exomes 0.00005 and 0.00012; ExAC 0.00007; gnomAD 0.00008 and 0.00009; TOPMed 0.00009; ESP Exome Variant Server 0.00015; 1000 Genomes Project 30x 0.00031; 1000 Genomes Project 0.00040.
gnomAD v4.1: 192 of 1,614,004 alleles (0.012%); highest among the groups gnomAD compares: Non-Finnish European, 0.015%; 1 homozygote.

Submissions (2):

CeGaT Center for Human Genetics Tuebingen
Classification: Likely benign. Last evaluated: 2026-09-01. Review status: criteria provided, single submitter. Criteria: CeGaT Center For Human Genetics Tuebingen Variant Classification Criteria Version 2. Collection method: clinical testing. Allele origin: germline. Affected: yes. Observed: 2 variant alleles.
Comment: SRCAP: BP4, BP7

Labcorp Genetics (formerly Invitae), Labcorp
Classification: Likely benign. Last evaluated: 2025-10-15. Review status: criteria provided, single submitter. Criteria: Invitae Variant Classification Sherloc (09022015). Collection method: clinical testing. Allele origin: germline.